The following is an entry in ClinVar:

ClinVar aggregate classification (germline): Likely pathogenic (1 of 4 stars; one submission).

Conditions:
Deficiency of guanidinoacetate methyltransferase (CCDS2). Also called: CEREBRAL CREATINE DEFICIENCY SYNDROME 2; Guanidinoacetate Methyltransferase (GAMT) Deficiency; GAMT DEFICIENCY. Identifiers: Orphanet 382, MedGen C0574080, MONDO:0012999, OMIM 612736.

Submission:

Natera, Inc.
Classification: Likely pathogenic for Guanidinoacetate methyltransferase deficiency. Last evaluated: 2024-09-10. Review status: criteria provided, single submitter. Criteria: Natera Variant Classification Schema (03/2026). Collection method: clinical testing. Allele origin: germline.
Comment: The c.181+1G>A variant in GAMT is a canonical splice donor site variant predicted to affect pre-mRNA splicing, which may result in an abnormal transcript and altered protein product. This variant is expected to result in nonsense mediated decay, truncation, or a dysfunctional protein product. This variant is rare in the general population with a frequency below the threshold expected for the associated phenotype(s). Given the available evidence, this variant is classified as Likely Pathogenic.

NM_000156.6(GAMT):c.181+1G>A

Genes: GAMT (guanidinoacetate N-methyltransferase; minus strand), LOC130062945 (ATAC-STARR-seq lymphoblastoid silent region 9707; plus strand). Cytogenetic location: 19p13.3.
Variant type: single nucleotide variant.
Coding change: c.181+1G>A on transcript NM_000156.6 (MANE Select); the canonical splice donor site of the intron after coding-DNA position 181, G replaced by A.
Molecular consequence: splice donor variant.
Genome position (GRCh38, 1-based): chr19:1,401,295, C>T on the plus strand (G>A on the coding strand, the complement: GAMT is on the minus strand). VCF-style: chr19-1401295-C-T. GRCh37 (hg19) VCF-style: chr19-1401294-C-T.
Other names: c.181+1G>A (NM_138924.3).
Identifiers: ClinVar variation 4817652 (VCV004817652.1).